The following is an entry in ClinVar:

NM_000321.3(RB1):c.1364_1365delinsTT (p.Arg455Leu)

Gene: RB1 (RB transcriptional corepressor 1; plus strand). Cytogenetic location: 13q14.2.
Variant type: Indel.
Coding change: c.1364_1365delinsTT on transcript NM_000321.3 (MANE Select); coding-DNA positions 1364 to 1365, GA replaced by TT.
Protein change: p.Arg455Leu; replaces arginine 455 with leucine.
Molecular consequence: missense variant.
Genome position (GRCh38, 1-based): chr13:48,379,625-48,379,626, GA replaced by TT. VCF-style: chr13-48379625-GA-TT. GRCh37 (hg19) VCF-style: chr13-48953761-GA-TT.
Other names: c.1364_1365delinsTT, p.Arg455Leu (NM_001407166.1, NM_001407165.1); short protein forms R455L.
Identifiers: ClinVar variation 3694857 (VCV003694857.2).
Genomic context (GRCh38, chr13:48,379,625, plus strand): 5'-CTCTTATTTTTCTTTTTGTTTGTTTGTAGCGATACAAACTTGGAGTTCGCTTGTATTACC[GA>TT]GTAATGGAATCCATGCTTAAATCAGTAAGTTAAAAACAATATAAAAAAATTTCAGCCGGG-3'
Protein context (NP_000312.2, residues 445-465): RYKLGVRLYY[Arg455Leu]VMESMLKSEE

ClinVar aggregate classification (germline): Uncertain significance (1 of 4 stars; one submission).

Conditions:
Retinoblastoma (RB1). Also called: RETINOBLASTOMA, SOMATIC. Identifiers: Orphanet 790, MedGen C0035335, MeSH D012175, MONDO:0008380, OMIM 180200, HP:0009919. Disease mechanism: loss of function. Inheritance: Both sporadic and heritable forms are tested..

Submission:

Labcorp Genetics (formerly Invitae), Labcorp
Classification: Uncertain significance for Retinoblastoma. Last evaluated: 2024-11-03. Review status: criteria provided, single submitter. Criteria: Invitae Variant Classification Sherloc (09022015). Collection method: clinical testing. Allele origin: germline.
Comment: This sequence change replaces arginine, which is basic and polar, with leucine, which is neutral and non-polar, at codon 455 of the RB1 protein (p.Arg455Leu). Information on the frequency of this variant in the gnomAD database is not available, as this variant may be reported differently in the database. This variant has not been reported in the literature in individuals affected with RB1-related conditions. An algorithm developed to predict the effect of missense changes on protein structure and function (PolyPhen-2) suggests that this variant is likely to be disruptive. In summary, the available evidence is currently insufficient to determine the role of this variant in disease. Therefore, it has been classified as a Variant of Uncertain Significance.